The following is an entry in ClinVar:

ClinVar aggregate classification (germline): Uncertain significance. Review status: criteria provided, multiple submitters, no conflicts (2 of 4 stars). 2 submissions from 2 submitters: Uncertain significance (2). Last evaluated 2024-02-13.

Submissions (2):

GeneDx
Classification: Uncertain significance. Last evaluated: 2024-02-13. Review status: criteria provided, single submitter. Criteria: GeneDx Variant Classification Process June 2021. Collection method: clinical testing. Allele origin: germline. Affected: yes.
Comment: In-frame duplication of 2 amino acids in a non-repeat region; Not observed at significant frequency in large population cohorts (gnomAD); Has not been previously published as pathogenic or benign to our knowledge

Blueprint Genetics
Classification: Uncertain significance. Last evaluated: 2019-09-23. Review status: criteria provided, single submitter. Criteria: ACMG Guidelines, 2015. Collection method: clinical testing. Allele origin: germline.

NM_005862.3(STAG1):c.97_102dup (p.Lys34_Arg35insGlyLys)

Gene: STAG1 (STAG1 cohesin complex component; minus strand). Cytogenetic location: 3q22.3.
Variant type: Duplication.
Coding change: c.97_102dup on transcript NM_005862.3 (MANE Select); coding-DNA positions 97 to 102, 6 bases duplicated (GGAAAA; older notation c.97_102dupGGAAAA).
Protein change: p.Lys34_Arg35insGlyLys.
Molecular consequence: inframe insertion.
Genome position (GRCh38, 1-based): chr3:136,623,176-136,623,181, TTTTCC duplicated on the plus strand (GGAAAA on the coding strand, the reverse complement: STAG1 is on the minus strand); duplicating any 6 consecutive bases within chr3:136,623,176-136,623,184 gives the same sequence; the c. name uses the placement nearest the transcript's 3' end. VCF-style (leftmost placement, unchanged base first): chr3-136623175-T-TTTTTCC. GRCh37 (hg19) VCF-style: chr3-136342017-T-TTTTTCC.
Identifiers: ClinVar variation 3369168 (VCV003369168.2).
Genomic context (GRCh38, chr3:136,623,175, plus strand): 5'-AAGGAACAAAGAAGACAAGCATAATACATACTGGAGGCCGGCCAGGACGACCCCTTTTTC[T>TTTTTCC]TTTTCCTTTGACCTCTGTTTCTTCAAGCTCGCTGCCAGCATCGGAATGGGCAGTAGTTTC-3'